The following is an entry in ClinVar:

NM_004380.3(CREBBP):c.5800T>C (p.Ser1934Pro)

Gene: CREBBP (CREB binding lysine acetyltransferase; minus strand). Cytogenetic location: 16p13.3.
Variant type: single nucleotide variant.
Coding change: c.5800T>C on transcript NM_004380.3 (MANE Select); coding-DNA position 5800, T replaced by C.
Protein change: p.Ser1934Pro; replaces serine 1934 with proline.
Molecular consequence: missense variant.
Genome position (GRCh38, 1-based): chr16:3,729,247, A>G on the plus strand (T>C on the coding strand, the complement: CREBBP is on the minus strand). VCF-style: chr16-3729247-A-G. GRCh37 (hg19) VCF-style: chr16-3779248-A-G.
Other names: c.5686T>C, p.Ser1896Pro (NM_001079846.1); short protein forms S1934P, S1896P.
Identifiers: ClinVar variation 158387 (VCV000158387.52), dbSNP rs587783504, ClinGen allele CA243769.

ClinVar aggregate classification (germline): Conflicting classifications of pathogenicity. Review status: criteria provided, conflicting classifications (1 of 4 stars). 9 submissions from 9 submitters: Uncertain significance (2); Benign (2); Likely benign (3). 2 of the submissions do not count toward it. Last evaluated 2026-01-26.

Conditions:
CREBBP-related disorder. Also called: CREBBP-related condition; CREBBP-related disorders.
Rubinstein-Taybi syndrome (RSTS). Identifiers: Orphanet 783, MedGen C0035934, MONDO:0019188.
Inborn genetic diseases. Identifiers: MedGen C0950123, MeSH D030342.
Rubinstein-Taybi syndrome due to CREBBP mutations (RSTS1). Also called: CREBBP-Related Rubinstein-Taybi Syndrome; RUBINSTEIN SYNDROME; BROAD THUMB-HALLUX SYNDROME; Rubinstein-Taybi syndrome 1; BROAD THUMBS AND GREAT TOES, CHARACTERISTIC FACIES, AND IMPAIRED INTELLECTUAL DEVELOPMENT; RUBINSTEIN-TAYBI SYNDROME 1, INCOMPLETE. Identifiers: Orphanet 353277, Orphanet 783, MedGen C4551859, MONDO:0008393, OMIM 180849.
Tip-toe gait. Also called: Toe walking. Identifiers: MedGen C0427144, HP:0030051.

Allele frequency attached by ClinVar (database versions not stated): TOPMed 0.00042; ExAC 0.00028; gnomAD 0.00029 and 0.00030; gnomAD exomes 0.00035 and 0.00039.

Submissions (9):

Labcorp Genetics (formerly Invitae), Labcorp
Classification: Likely benign for Rubinstein-Taybi syndrome. Last evaluated: 2026-01-26. Review status: criteria provided, single submitter. Criteria: Invitae Variant Classification Sherloc (09022015). Collection method: clinical testing. Allele origin: germline.

CeGaT Center for Human Genetics Tuebingen
Classification: Benign. Last evaluated: 2025-01-01. Review status: criteria provided, single submitter. Criteria: CeGaT Center For Human Genetics Tuebingen Variant Classification Criteria Version 2. Collection method: clinical testing. Allele origin: germline. Affected: yes. Observed: 3 variant alleles.
Comment: CREBBP: PP2, BS1, BS2

Blueprint Genetics
Classification: Likely benign. Last evaluated: 2024-11-07. Review status: criteria provided, single submitter. Criteria: ACMG Guidelines, 2015. Collection method: clinical testing. Allele origin: germline.

Ambry Genetics
Classification: Likely benign for Inborn genetic diseases. Last evaluated: 2022-06-09. Review status: criteria provided, single submitter. Criteria: Ambry Variant Classification Scheme 2023. Collection method: clinical testing. Allele origin: germline.

GeneDx
Classification: Benign. Last evaluated: 2020-03-23. Review status: criteria provided, single submitter. Criteria: GeneDx Variant Classification Process June 2021. Collection method: clinical testing. Allele origin: germline. Affected: yes.

Eurofins Ntd Llc (ga)
Classification: Uncertain significance. Last evaluated: 2015-04-01. Review status: criteria provided, single submitter. Criteria: EGL Classification Definitions 2015. Collection method: clinical testing. Allele origin: germline. Observed: 1 variant allele, 1 heterozygote.

Genetic Services Laboratory, University of Chicago
Classification: Uncertain significance for Rubinstein-Taybi syndrome. Last evaluated: 2014-01-23. Review status: criteria provided, single submitter. Criteria: ACMG Guidelines, 2007. Collection method: clinical testing. Allele origin: germline. Inheritance: Autosomal dominant inheritance.

PreventionGenetics, part of Exact Sciences
Classification: Likely benign for CREBBP-related condition. Last evaluated: 2021-07-16. Review status: no assertion criteria provided. Collection method: clinical testing. Allele origin: germline. Not counted in ClinVar's aggregate classification.
Comment: This variant is classified as likely benign based on ACMG/AMP sequence variant interpretation guidelines (Richards et al. 2015 PMID: 25741868, with internal and published modifications).

Practice for Gait Abnormalities, David Pomarino, Competency Network Toe Walking C/o Practice Pomarino
Classification: Likely pathogenic for Tip-toe gait. Review status: no assertion criteria provided. Collection method: clinical testing. Allele origin: germline. Affected: yes. Not counted in ClinVar's aggregate classification.
Comment: Hereditary motor sensory neuropathy (HMSN), also known as Charcot-Marie-Tooth Disease (CMT), is the most commonly inherited peripheral polyneuropathy. It constitutes a group of inherited, progressive, motor and sensory peripheral nerve disorders with properties of demyelination, axonal degeneration, or both. It is classified by clinical characteristics, modes of inheritance, electrophysiologic features, metabolic defects, and specific gene markers. Our patients all walk on tiptoe, so they show similar symptoms. When we genetically test them with our toe walking panel, we find that around 90 per cent of them have a genetic variant that explains their toe walking. These can be assigned, for example, to the area of myopathies (such as variants of the COL6A3 gene), the area of hereditary neuropathies (such as variants of the KMT2C gene) or the area of metabolic diseases (such as variants of the PYGM gene). In a smaller group of patients with almost identical symptoms, no abnormality is found in the genes of our panel, but spastic paraplegia can be detected. In another small group of our toe walkers, no abnormalities can be detected in the genes analysed in our toe walking panel, nor do they suffer from spastic paraplegia, as is also the case with healthy children. In contrast to these, however, they show a tiptoe gait. These patients suffer from infantile cerebral palsy, in which toe walking can also be observed.

Literature cited by the submitters: PubMed 37091313 (cited by Practice for Gait Abnormalities, David Pomarino, Competency Network Toe Walking C/o Practice Pomarino).